The following is an entry in ClinVar:

ClinVar aggregate classification (germline): Uncertain significance (1 of 4 stars; one submission).

gnomAD v4.1: 1 of 1,593,490 alleles (0.000063%); highest among the groups gnomAD compares: Non-Finnish European, 0.000086%; no homozygotes.

Submission:

Labcorp Genetics (formerly Invitae), Labcorp
Classification: Uncertain significance. Last evaluated: 2025-02-17. Review status: criteria provided, single submitter. Criteria: Invitae Variant Classification Sherloc (09022015). Collection method: clinical testing. Allele origin: germline.
Comment: This sequence change replaces leucine, which is neutral and non-polar, with phenylalanine, which is neutral and non-polar, at codon 578 of the TRIM28 protein (p.Leu578Phe). This variant is not present in population databases (gnomAD no frequency). This variant has not been reported in the literature in individuals affected with TRIM28-related conditions. Experimental studies and prediction algorithms are not available or were not evaluated, and the functional significance of this variant is currently unknown. In summary, the available evidence is currently insufficient to determine the role of this variant in disease. Therefore, it has been classified as a Variant of Uncertain Significance.

NM_005762.3(TRIM28):c.1732C>T (p.Leu578Phe)

Gene: TRIM28 (tripartite motif containing 28; plus strand). Cytogenetic location: 19q13.43.
Variant type: single nucleotide variant.
Coding change: c.1732C>T on transcript NM_005762.3 (MANE Select); coding-DNA position 1732, C replaced by T.
Protein change: p.Leu578Phe; replaces leucine 578 with phenylalanine.
Molecular consequence: missense variant.
Genome position (GRCh38, 1-based): chr19:58,549,400, C>T. VCF-style: chr19-58549400-C-T. GRCh37 (hg19) VCF-style: chr19-59060767-C-T.
Other names: short protein forms L578F.
Identifiers: ClinVar variation 4711025 (VCV004711025.1).